The following is an entry in ClinVar:

ClinVar aggregate classification (germline): Uncertain significance (1 of 4 stars; one submission).

Conditions:
Charcot-Marie-Tooth disease dominant intermediate B (CMTDIB). Also called: CHARCOT-MARIE-TOOTH NEUROPATHY, DOMINANT INTERMEDIATE B; Charcot-Marie-Tooth disease dominant intermediate 1; CMT DI1; Charcot-Marie-Tooth disease dominant intermediate I. Identifiers: Orphanet 100044, Orphanet 228179, MedGen C1847902, MONDO:0011674, OMIM 606482.

Submission:

Labcorp Genetics (formerly Invitae), Labcorp
Classification: Uncertain significance for Charcot-Marie-Tooth disease dominant intermediate B. Last evaluated: 2022-10-22. Review status: criteria provided, single submitter. Criteria: Invitae Variant Classification Sherloc (09022015). Collection method: clinical testing. Allele origin: germline.
Comment: This sequence change replaces alanine, which is neutral and non-polar, with serine, which is neutral and polar, at codon 186 of the DNM2 protein (p.Ala186Ser). This variant is not present in population databases (gnomAD no frequency). This variant has not been reported in the literature in individuals affected with DNM2-related conditions. Advanced modeling of protein sequence and biophysical properties (such as structural, functional, and spatial information, amino acid conservation, physicochemical variation, residue mobility, and thermodynamic stability) has been performed at Invitae for this missense variant, however the output from this modeling did not meet the statistical confidence thresholds required to predict the impact of this variant on DNM2 protein function. In summary, the available evidence is currently insufficient to determine the role of this variant in disease. Therefore, it has been classified as a Variant of Uncertain Significance.

NM_001005361.3(DNM2):c.556G>T (p.Ala186Ser)

Gene: DNM2 (dynamin 2; plus strand). Cytogenetic location: 19p13.2.
Variant type: single nucleotide variant.
Coding change: c.556G>T on transcript NM_001005361.3 (MANE Select); coding-DNA position 556, G replaced by T.
Protein change: p.Ala186Ser; replaces alanine 186 with serine.
Molecular consequence: missense variant.
Genome position (GRCh38, 1-based): chr19:10,775,873, G>T. VCF-style: chr19-10775873-G-T. GRCh37 (hg19) VCF-style: chr19-10886549-G-T.
Other names: c.556G>T, p.Ala186Ser (NM_001005360.3, NM_001005362.3, NM_001190716.2 and 1 more transcripts); short protein forms A186S.
Identifiers: ClinVar variation 2141742 (VCV002141742.4), dbSNP rs2513153255, ClinGen allele CA404042923.